The following is an entry in ClinVar:

ClinVar aggregate classification (germline): Uncertain significance (1 of 4 stars; one submission).

Conditions:
Tuberous sclerosis 2 (TSC2). Identifiers: Orphanet 805, MedGen C1860707, MONDO:0013199, OMIM 613254.

Submission:

Labcorp Genetics (formerly Invitae), Labcorp
Classification: Uncertain significance for Tuberous sclerosis 2. Last evaluated: 2024-05-15. Review status: criteria provided, single submitter. Criteria: Invitae Variant Classification Sherloc (09022015). Collection method: clinical testing. Allele origin: germline.
Comment: This sequence change replaces leucine, which is neutral and non-polar, with valine, which is neutral and non-polar, at codon 1744 of the TSC2 protein (p.Leu1744Val). This variant is not present in population databases (gnomAD no frequency). This variant has not been reported in the literature in individuals affected with TSC2-related conditions. ClinVar contains an entry for this variant (Variation ID: 1721813). Advanced modeling of protein sequence and biophysical properties (such as structural, functional, and spatial information, amino acid conservation, physicochemical variation, residue mobility, and thermodynamic stability) performed at Invitae indicates that this missense variant is not expected to disrupt TSC2 protein function with a negative predictive value of 95%. In summary, the available evidence is currently insufficient to determine the role of this variant in disease. Therefore, it has been classified as a Variant of Uncertain Significance.

NM_000548.5(TSC2):c.5230C>G (p.Leu1744Val)

Gene: TSC2 (TSC complex subunit 2; plus strand). Cytogenetic location: 16p13.3.
Variant type: single nucleotide variant.
Coding change: c.5230C>G on transcript NM_000548.5 (MANE Select); coding-DNA position 5230, C replaced by G.
Protein change: p.Leu1744Val; replaces leucine 1744 with valine.
Molecular consequence: missense variant.
Genome position (GRCh38, 1-based): chr16:2,088,296, C>G. VCF-style: chr16-2088296-C-G. GRCh37 (hg19) VCF-style: chr16-2138297-C-G.
Other names: c.5152C>G, p.Leu1718Val (NM_001406665.1); c.5122C>G, p.Leu1708Val (NM_001406667.1); c.5119C>G, p.Leu1707Val (NM_001406668.1); c.5050C>G, p.Leu1684Val (NM_001406670.1); c.5020C>G, p.Leu1674Val (NM_001406671.1); c.5017C>G, p.Leu1673Val (NM_001406673.1); c.5014C>G, p.Leu1672Val (NM_001406675.1); c.5011C>G, p.Leu1671Val (NM_001406676.1); and 27 more; short protein forms L1143V, L1229V, L1230V, L1252V, L1253V, L1273V, L1477V, L1478V.
Identifiers: ClinVar variation 1721813 (VCV001721813.5), dbSNP rs1567132207, ClinGen allele CA394314564.
Genomic context (GRCh38, chr16:2,088,296, plus strand): 5'-CAGGTGCATCATAGCCGCTCCAACCCCACCGATATCTACCCCTCCAAGTGGATTGCCCGG[C>G]TCCGCCACATCAAGCGGCTCCGCCAGCGGGTAGGGAATATGGGGCTCCCTCAGCGGGGTG-3'
Protein context (NP_000539.2, residues 1734-1754): DIYPSKWIAR[Leu1744Val]RHIKRLRQRI